The following is an entry in ClinVar:

NM_000260.4(MYO7A):c.4649C>T (p.Pro1550Leu)

Gene: MYO7A (myosin VIIA; plus strand). Cytogenetic location: 11q13.5.
Variant type: single nucleotide variant.
Coding change: c.4649C>T on transcript NM_000260.4 (MANE Select); coding-DNA position 4649, C replaced by T.
Protein change: p.Pro1550Leu; replaces proline 1550 with leucine.
Molecular consequence: missense variant. On other transcripts: intron variant (2).
Genome position (GRCh38, 1-based): chr11:77,199,615, C>T. VCF-style: chr11-77199615-C-T. GRCh37 (hg19) VCF-style: chr11-76910660-C-T.
Other names: c.4536-34C>T (NM_001369365.1); c.4569-34C>T (NM_001127180.2); short protein forms P1550L.
Identifiers: ClinVar variation 3718611 (VCV003718611.3).

ClinVar aggregate classification (germline): Uncertain significance. Review status: criteria provided, multiple submitters, no conflicts (2 of 4 stars). 2 submissions from 2 submitters: Uncertain significance (2). Last evaluated 2024-07-12.

gnomAD v4.1: 26 of 1,603,352 alleles (0.0016%); highest among the groups gnomAD compares: South Asian, 0.021%; no homozygotes.

Submissions (2):

Labcorp Genetics (formerly Invitae), Labcorp
Classification: Uncertain significance. Last evaluated: 2024-07-12. Review status: criteria provided, single submitter. Criteria: Invitae Variant Classification Sherloc (09022015). Collection method: clinical testing. Allele origin: germline.
Comment: This sequence change replaces proline, which is neutral and non-polar, with leucine, which is neutral and non-polar, at codon 1550 of the MYO7A protein (p.Pro1550Leu). This variant is present in population databases (rs777229536, gnomAD 0.01%). This variant has not been reported in the literature in individuals affected with MYO7A-related conditions. Advanced modeling of protein sequence and biophysical properties (such as structural, functional, and spatial information, amino acid conservation, physicochemical variation, residue mobility, and thermodynamic stability) performed at Invitae indicates that this missense variant is not expected to disrupt MYO7A protein function with a negative predictive value of 95%. In summary, the available evidence is currently insufficient to determine the role of this variant in disease. Therefore, it has been classified as a Variant of Uncertain Significance.

Blueprint Genetics
Classification: Uncertain significance. Last evaluated: 2022-04-26. Review status: criteria provided, single submitter. Criteria: ACMG Guidelines, 2015. Collection method: clinical testing. Allele origin: germline.